The following is an entry in ClinVar:

NM_000368.5(TSC1):c.1000T>A (p.Ser334Thr)

Gene: TSC1 (TSC complex subunit 1; minus strand). Cytogenetic location: 9q34.13.
Variant type: single nucleotide variant.
Coding change: c.1000T>A on transcript NM_000368.5 (MANE Select); coding-DNA position 1000, T replaced by A.
Protein change: p.Ser334Thr; replaces serine 334 with threonine.
Molecular consequence: missense variant.
Genome position (GRCh38, 1-based): chr9:132,911,482, A>T on the plus strand (T>A on the coding strand, the complement: TSC1 is on the minus strand). VCF-style: chr9-132911482-A-T. GRCh37 (hg19) VCF-style: chr9-135786869-A-T.
Other names: c.1000T>A, p.Ser334Thr (NM_001162426.2); c.847T>A, p.Ser283Thr (NM_001162427.2); c.637T>A, p.Ser213Thr (NM_001362177.2); short protein forms S283T, S213T, S334T.
Identifiers: ClinVar variation 1373192 (VCV001373192.6), dbSNP rs1845955815, ClinGen allele CA375368547.

ClinVar aggregate classification (germline): Uncertain significance (1 of 4 stars; one submission).

Conditions:
Tuberous sclerosis 1 (TSC1). Identifiers: Orphanet 805, MedGen C1854465, MONDO:0008612, OMIM 191100.

Allele frequency attached by ClinVar (database versions not stated): gnomAD 0.00001.
gnomAD v4.1: 1 of 1,613,798 alleles (0.000062%); highest among the groups gnomAD compares: African/African-American, 0.0013%; no homozygotes.

Submission:

Labcorp Genetics (formerly Invitae), Labcorp
Classification: Uncertain significance for Tuberous sclerosis 1. Last evaluated: 2024-08-01. Review status: criteria provided, single submitter. Criteria: Invitae Variant Classification Sherloc (09022015). Collection method: clinical testing. Allele origin: germline.
Comment: This sequence change replaces serine, which is neutral and polar, with threonine, which is neutral and polar, at codon 334 of the TSC1 protein (p.Ser334Thr). This variant is not present in population databases (gnomAD no frequency). This variant has not been reported in the literature in individuals affected with TSC1-related conditions. ClinVar contains an entry for this variant (Variation ID: 1373192). Advanced modeling of protein sequence and biophysical properties (such as structural, functional, and spatial information, amino acid conservation, physicochemical variation, residue mobility, and thermodynamic stability) performed at Invitae indicates that this missense variant is not expected to disrupt TSC1 protein function with a negative predictive value of 95%. In summary, the available evidence is currently insufficient to determine the role of this variant in disease. Therefore, it has been classified as a Variant of Uncertain Significance.